The following is an entry in ClinVar:

ClinVar aggregate classification (germline): Benign/Likely benign. Review status: criteria provided, multiple submitters, no conflicts (2 of 4 stars). 4 submissions from 4 submitters: Benign (1); Likely benign (3). Last evaluated 2026-01-24.

Conditions:
TRRAP-related disorder. Also called: TRRAP-related condition.
Inborn genetic diseases. Identifiers: MedGen C0950123, MeSH D030342.

Allele frequency attached by ClinVar (database versions not stated): gnomAD exomes 0.00012; ExAC 0.00036; ESP Exome Variant Server 0.00123; gnomAD 0.00131; TOPMed 0.00176; 1000 Genomes Project 0.00260; 1000 Genomes Project 30x 0.00281.
gnomAD v4.1: 393 of 1,613,222 alleles (0.024%); highest among the groups gnomAD compares: African/African-American, 0.41%; no homozygotes.

Submissions (4):

Labcorp Genetics (formerly Invitae), Labcorp
Classification: Benign. Last evaluated: 2026-01-24. Review status: criteria provided, single submitter. Criteria: Invitae Variant Classification Sherloc (09022015). Collection method: clinical testing. Allele origin: germline.

Ambry Genetics
Classification: Likely benign for Inborn genetic diseases. Last evaluated: 2025-11-19. Review status: criteria provided, single submitter. Criteria: Ambry Variant Classification Scheme 2023. Collection method: clinical testing. Allele origin: germline.

Blueprint Genetics
Classification: Likely benign. Last evaluated: 2024-11-25. Review status: criteria provided, single submitter. Criteria: ACMG Guidelines, 2015. Collection method: clinical testing. Allele origin: germline.

PreventionGenetics, part of Exact Sciences
Classification: Likely benign for TRRAP-related condition. Last evaluated: 2024-10-20. Review status: criteria provided, single submitter. Criteria: ACMG Guidelines, 2015. Collection method: clinical testing. Allele origin: germline.
Comment: This variant is classified as likely benign based on ACMG/AMP sequence variant interpretation guidelines (Richards et al. 2015 PMID: 25741868, with internal and published modifications).

NM_001375524.1(TRRAP):c.3394-4C>A

Gene: TRRAP (transformation/transcription domain associated protein; plus strand). Cytogenetic location: 7q22.1.
Variant type: single nucleotide variant.
Coding change: c.3394-4C>A on transcript NM_001375524.1 (MANE Select); 4 bases into the intron before coding-DNA position 3394, C replaced by A.
Molecular consequence: intron variant.
Genome position (GRCh38, 1-based): chr7:98,930,629, C>A. VCF-style: chr7-98930629-C-A. GRCh37 (hg19) VCF-style: chr7-98528252-C-A.
Other names: c.3394-4C>A (NM_001244580.1, NM_003496.3, NM_001244580.2 and 1 more transcripts).
Identifiers: ClinVar variation 2075775 (VCV002075775.7), dbSNP rs142232064, ClinGen allele CA4359991.